The following is an entry in ClinVar:

ClinVar aggregate classification (germline): Uncertain significance (1 of 4 stars; one submission).

Submission:

Labcorp Genetics (formerly Invitae), Labcorp
Classification: Uncertain significance. Last evaluated: 2024-07-12. Review status: criteria provided, single submitter. Criteria: Invitae Variant Classification Sherloc (09022015). Collection method: clinical testing. Allele origin: germline.
Comment: This sequence change replaces arginine, which is basic and polar, with histidine, which is basic and polar, at codon 795 of the OTOG protein (p.Arg795His). The frequency data for this variant in the population databases is considered unreliable, as metrics indicate poor data quality at this position in the gnomAD database. This variant has not been reported in the literature in individuals affected with OTOG-related conditions. An algorithm developed to predict the effect of missense changes on protein structure and function (PolyPhen-2) suggests that this variant¬†is likely to be tolerated. In summary, the available evidence is currently insufficient to determine the role of this variant in disease. Therefore, it has been classified as a Variant of Uncertain Significance.

NM_001292063.2(OTOG):c.2348G>A (p.Arg783His)

Gene: OTOG (otogelin; plus strand). Cytogenetic location: 11p15.1.
Variant type: single nucleotide variant.
Coding change: c.2348G>A on transcript NM_001292063.2 (MANE Select); coding-DNA position 2348, G replaced by A.
Protein change: p.Arg783His; replaces arginine 783 with histidine.
Molecular consequence: missense variant.
Genome position (GRCh38, 1-based): chr11:17,574,774, G>A. VCF-style: chr11-17574774-G-A. GRCh37 (hg19) VCF-style: chr11-17596321-G-A.
Other names: c.2384G>A, p.Arg795His (NM_001277269.2); short protein forms R795H, R783H.
Identifiers: ClinVar variation 3637023 (VCV003637023.1).